The following is an entry in ClinVar:

ClinVar aggregate classification (germline): Uncertain significance. Review status: criteria provided, multiple submitters, no conflicts (2 of 4 stars). 2 submissions from 2 submitters: Uncertain significance (2). Last evaluated 2025-05-01.

Submissions (2):

GeneDx
Classification: Uncertain significance. Last evaluated: 2025-05-01. Review status: criteria provided, single submitter. Criteria: GeneDx Variant Classification Process June 2021. Collection method: clinical testing. Allele origin: germline. Affected: yes.
Comment: Not observed at significant frequency in large population cohorts (gnomAD); In-frame deletion of 1 amino acid(s) in a non-repeat region; In silico analysis suggests that this variant does not alter protein structure/function; Has not been previously published as pathogenic or benign to our knowledge

Blueprint Genetics
Classification: Uncertain significance. Last evaluated: 2018-12-31. Review status: criteria provided, single submitter. Criteria: ACMG Guidelines, 2015. Collection method: clinical testing. Allele origin: germline.

NM_006005.3(WFS1):c.1489GTC[1] (p.Val498del)

Gene: WFS1 (wolframin ER transmembrane glycoprotein; plus strand). Cytogenetic location: 4p16.1.
Variant type: Microsatellite.
Coding change: c.1489GTC[1] on transcript NM_006005.3 (MANE Select); one copy of the 3-base unit GTC starting at c.1489; the reference has two copies in a row; one copy, 3 bases deleted; also written c.1492_1494del.
Protein change: p.Val498del; deletes valine 498.
Genome position (GRCh38, 1-based): chr4:6,301,287-6,301,289, GTC deleted; deleting any 3 consecutive bases within chr4:6,301,284-6,301,289 gives the same sequence; the position shown is the placement nearest the transcript's 3' end. VCF-style (leftmost placement, unchanged base first): chr4-6301283-GGTC-G. GRCh37 (hg19) VCF-style: chr4-6303010-GGTC-G.
Other names: c.1489GTC[1], p.Val498del (NM_001145853.1); c.1492_1494del (NM_006005.3); short protein forms V498del.
Identifiers: ClinVar variation 4528062 (VCV004528062.2).